The following is an entry in ClinVar:

ClinVar aggregate classification (germline): Uncertain significance. Review status: criteria provided, multiple submitters, no conflicts (2 of 4 stars). 3 submissions from 3 submitters: Uncertain significance (2). 1 of the submissions does not count toward it. Last evaluated 2025-05-20.

Conditions:
Inborn genetic diseases. Identifiers: MedGen C0950123, MeSH D030342.
Hyperammonemia, type III (NAGSD). Also called: Hyperammonemia due to N-acetylglutamate synthase deficiency. Identifiers: Orphanet 927, MedGen C0268543, MONDO:0009377, OMIM 237310.

Allele frequency attached by ClinVar (database versions not stated): gnomAD 0.00002; gnomAD exomes 0.00002 and 0.00004; TOPMed 0.00002; ExAC 0.00006.
gnomAD v4.1: 61 of 1,559,768 alleles (0.0039%); highest among the groups gnomAD compares: Non-Finnish European, 0.0052%; no homozygotes.

Submissions (3):

Ambry Genetics
Classification: Uncertain significance for Inborn genetic diseases. Last evaluated: 2025-05-20. Review status: criteria provided, single submitter. Criteria: Ambry Variant Classification Scheme 2023. Collection method: clinical testing. Allele origin: germline.

Labcorp Genetics (formerly Invitae), Labcorp
Classification: Uncertain significance for Hyperammonemia, type III. Last evaluated: 2021-09-01. Review status: criteria provided, single submitter. Criteria: Invitae Variant Classification Sherloc (09022015). Collection method: clinical testing. Allele origin: germline.
Comment: This sequence change replaces proline with leucine at codon 117 of the NAGS protein (p.Pro117Leu). The proline residue is highly conserved and there is a moderate physicochemical difference between proline and leucine. This variant is present in population databases (rs767257841, ExAC 0.02%). This variant has not been reported in the literature in individuals affected with NAGS-related conditions. Algorithms developed to predict the effect of missense changes on protein structure and function output the following: SIFT: "Deleterious"; PolyPhen-2: "Benign"; Align-GVGD: "Class C0". The leucine amino acid residue is found in multiple mammalian species, which suggests that this missense change does not adversely affect protein function. In summary, the available evidence is currently insufficient to determine the role of this variant in disease. Therefore, it has been classified as a Variant of Uncertain Significance.

Natera, Inc.
Classification: Uncertain significance for Hyperammonemia type III. Last evaluated: 2020-01-30. Review status: no assertion criteria provided. Collection method: clinical testing. Allele origin: germline. Not counted in ClinVar's aggregate classification.

NM_153006.3(NAGS):c.350C>T (p.Pro117Leu)

Gene: NAGS (N-acetylglutamate synthase; plus strand). Cytogenetic location: 17q21.31.
Variant type: single nucleotide variant.
Coding change: c.350C>T on transcript NM_153006.3 (MANE Select); coding-DNA position 350, C replaced by T.
Protein change: p.Pro117Leu; replaces proline 117 with leucine.
Molecular consequence: missense variant.
Genome position (GRCh38, 1-based): chr17:44,005,013, C>T. VCF-style: chr17-44005013-C-T. GRCh37 (hg19) VCF-style: chr17-42082381-C-T.
Other names: c.350C>T (NM_153006.2); short protein forms P117L.
Identifiers: ClinVar variation 1040047 (VCV001040047.11), dbSNP rs767257841, ClinGen allele CA8595122.